The following is an entry in ClinVar:

NM_001369.3(DNAH5):c.9854A>G (p.Glu3285Gly)

Gene: DNAH5 (dynein axonemal heavy chain 5; minus strand). Cytogenetic location: 5p15.2.
Variant type: single nucleotide variant.
Coding change: c.9854A>G on transcript NM_001369.3 (MANE Select); coding-DNA position 9854, A replaced by G.
Protein change: p.Glu3285Gly; replaces glutamic acid 3285 with glycine.
Molecular consequence: missense variant.
Genome position (GRCh38, 1-based): chr5:13,769,003, T>C on the plus strand (A>G on the coding strand, the complement: DNAH5 is on the minus strand). VCF-style: chr5-13769003-T-C. GRCh37 (hg19) VCF-style: chr5-13769112-T-C.
Other names: short protein forms E3285G.
Identifiers: ClinVar variation 3632917 (VCV003632917.2).

ClinVar aggregate classification (germline): Uncertain significance (1 of 4 stars; one submission).

Conditions:
Primary ciliary dyskinesia. Also called: Ciliary dyskinesia. Identifiers: Orphanet 244, MedGen C0008780, MONDO:0016575, HP:0012265.

Submission:

Labcorp Genetics (formerly Invitae), Labcorp
Classification: Uncertain significance for Primary ciliary dyskinesia. Last evaluated: 2025-01-17. Review status: criteria provided, single submitter. Criteria: Invitae Variant Classification Sherloc (09022015). Collection method: clinical testing. Allele origin: germline.
Comment: This sequence change replaces glutamic acid, which is acidic and polar, with glycine, which is neutral and non-polar, at codon 3285 of the DNAH5 protein (p.Glu3285Gly). This variant is not present in population databases (gnomAD no frequency). This variant has not been reported in the literature in individuals affected with DNAH5-related conditions. Invitae Evidence Modeling of protein sequence and biophysical properties (such as structural, functional, and spatial information, amino acid conservation, physicochemical variation, residue mobility, and thermodynamic stability) has been performed for this missense variant. However, the output from this modeling did not meet the statistical confidence thresholds required to predict the impact of this variant on DNAH5 protein function. In summary, the available evidence is currently insufficient to determine the role of this variant in disease. Therefore, it has been classified as a Variant of Uncertain Significance.